The following is an entry in ClinVar:

ClinVar aggregate classification (germline): Uncertain significance (1 of 4 stars; one submission).

Conditions:
Spondyloepimetaphyseal dysplasia, PAPSS2 type. Also called: BRACHYOLMIA TYPE 4 WITH MILD EPIPHYSEAL AND METAPHYSEAL CHANGES; SPONDYLODYSPLASIA AND PREMATURE PUBARCHE; SEMD, PAKISTANI TYPE. Identifiers: Orphanet 93282, MedGen C2748516, MONDO:0019666, OMIM 612847.

gnomAD v4.1: 2 of 1,613,310 alleles (0.00012%); highest among the groups gnomAD compares: African/African-American, 0.0027%; no homozygotes.

Submission:

Labcorp Genetics (formerly Invitae), Labcorp
Classification: Uncertain significance for Spondyloepimetaphyseal dysplasia, PAPSS2 type. Last evaluated: 2020-12-08. Review status: criteria provided, single submitter. Criteria: Invitae Variant Classification Sherloc (09022015). Collection method: clinical testing. Allele origin: germline.
Comment: In summary, the available evidence is currently insufficient to determine the role of this variant in disease. Therefore, it has been classified as a Variant of Uncertain Significance. Algorithms developed to predict the effect of missense changes on protein structure and function are either unavailable or do not agree on the potential impact of this missense change (SIFT: "Tolerated"; PolyPhen-2: "Possibly Damaging"; Align-GVGD: "Class C0"). This variant has not been reported in the literature in individuals with PAPSS2-related conditions. This variant is not present in population databases (ExAC no frequency). This sequence change replaces proline with arginine at codon 230 of the PAPSS2 protein (p.Pro230Arg). The proline residue is moderately conserved and there is a moderate physicochemical difference between proline and arginine.

NM_001015880.2(PAPSS2):c.689C>G (p.Pro230Arg)

Gene: PAPSS2 (3'-phosphoadenosine 5'-phosphosulfate synthase 2; plus strand). Cytogenetic location: 10q23.31.
Variant type: single nucleotide variant.
Coding change: c.689C>G on transcript NM_001015880.2 (MANE Select); coding-DNA position 689, C replaced by G.
Protein change: p.Pro230Arg; replaces proline 230 with arginine.
Molecular consequence: missense variant.
Genome position (GRCh38, 1-based): chr10:87,715,034, C>G. VCF-style: chr10-87715034-C-G. GRCh37 (hg19) VCF-style: chr10-89474791-C-G.
Other names: c.689C>G, p.Pro230Arg (NM_004670.4); short protein forms P230R.
Identifiers: ClinVar variation 1417551 (VCV001417551.8), dbSNP rs543748195, ClinGen allele CA377488148.